The following is an entry in ClinVar:

NM_181336.4(LEMD2):c.1413C>T (p.Asn471=)

Gene: LEMD2 (LEM domain nuclear envelope protein 2; minus strand). Cytogenetic location: 6p21.31.
Variant type: single nucleotide variant.
Coding change: c.1413C>T on transcript NM_181336.4 (MANE Select); coding-DNA position 1413, C replaced by T.
Protein change: p.Asn471=; no amino-acid change (asparagine 471 retained).
Molecular consequence: synonymous variant.
Genome position (GRCh38, 1-based): chr6:33,772,727, G>A on the plus strand (C>T on the coding strand, the complement: LEMD2 is on the minus strand). VCF-style: chr6-33772727-G-A. GRCh37 (hg19) VCF-style: chr6-33740504-G-A.
Other names: c.507C>T, p.Asn169= (NM_001143944.1, NM_001348709.2); c.1014C>T, p.Asn338= (NM_001348710.2).
Identifiers: ClinVar variation 3352603 (VCV003352603.2).
Genomic context (GRCh38, chr6:33,772,727, plus strand): 5'-TCTCCACACCAGCATGTCCTCTCCTGCAACGCGGTGGGACTCCGTCTGGATCCGGGATTC[G>A]TTGGAGGCCAGGAACTCCACAGCTCGGTCCCAGACACGCTTCATGCGCCTCCTGCAATGA-3'
Protein context (NP_851853.1, residues 461-481): WDRAVEFLAS[Asn471=]ESRIQTESHR

ClinVar aggregate classification (germline): Likely benign. Review status: criteria provided, single submitter (1 of 4 stars). 2 submissions from 2 submitters: Likely benign (1). 1 of the submissions does not count toward it. Last evaluated 2023-07-07.

Conditions:
LEMD2-related disorder. Also called: LEMD2-related condition.

gnomAD v4.1: 60 of 1,613,890 alleles (0.0037%); highest among the groups gnomAD compares: African/African-American, 0.041%; no homozygotes.

Submissions (2):

Blueprint Genetics
Classification: Likely benign. Last evaluated: 2023-07-07. Review status: criteria provided, single submitter. Criteria: ACMG Guidelines, 2015. Collection method: clinical testing. Allele origin: germline.

PreventionGenetics, part of Exact Sciences
Classification: Likely benign for LEMD2-related condition. Last evaluated: 2019-05-22. Review status: no assertion criteria provided. Collection method: clinical testing. Allele origin: germline. Not counted in ClinVar's aggregate classification.
Comment: This variant is classified as likely benign based on ACMG/AMP sequence variant interpretation guidelines (Richards et al. 2015 PMID: 25741868, with internal and published modifications).